The following is an entry in ClinVar:

ClinVar aggregate classification (germline): Benign/Likely benign. Review status: criteria provided, multiple submitters, no conflicts (2 of 4 stars). 5 submissions from 4 submitters: Benign (1); Likely benign (3). 1 of the submissions does not count toward it. Last evaluated 2025-11-02.

Conditions:
Meckel-Gruber syndrome. Also called: Dysencephalia splachnocystica; DYSENCEPHALIA SPLANCHNOCYSTICA; GRUBER SYNDROME. Identifiers: Orphanet 564, MedGen C0265215, MONDO:0018921.
Joubert syndrome. Also called: Familial aplasia of the vermis; JOUBERT-BOLTSHAUSER SYNDROME. Identifiers: Orphanet 475, MedGen C5979921, MONDO:0018772.
CC2D2A-related disorder. Also called: CC2D2A-related disorders; CC2D2A-related condition. Identifiers: MedGen CN239313.
Meckel syndrome, type 6. Identifiers: Orphanet 564, MedGen C2676790, MONDO:0012848, OMIM 612284.
Joubert syndrome 9 (JBTS9). Identifiers: Orphanet 2318, MedGen C2676788, MONDO:0012849, OMIM 612285.

Allele frequency attached by ClinVar (database versions not stated): TOPMed 0.00009; ExAC 0.00012; gnomAD exomes 0.00019 and 0.00024; 1000 Genomes Project 30x 0.00078; 1000 Genomes Project 0.00100.

Submissions (5):

Labcorp Genetics (formerly Invitae), Labcorp
Classification: Likely benign for Joubert syndrome; Meckel-Gruber syndrome. Last evaluated: 2025-11-02. Review status: criteria provided, single submitter. Criteria: Invitae Variant Classification Sherloc (09022015). Collection method: clinical testing. Allele origin: germline.

Blueprint Genetics
Classification: Likely benign. Last evaluated: 2023-08-16. Review status: criteria provided, single submitter. Criteria: ACMG Guidelines, 2015. Collection method: clinical testing. Allele origin: germline.

Illumina Laboratory Services, Illumina
Classification: Benign for Joubert syndrome 9. Last evaluated: 2017-04-27. Review status: criteria provided, single submitter. Criteria: ICSL Variant Classification Criteria 13 December 2019. Collection method: clinical testing. Allele origin: germline.
Comment: This variant was observed as part of a predisposition screen in an ostensibly healthy population. A literature search was performed for the gene, cDNA change, and amino acid change (where applicable). No publications were found based on this search. Allele frequency data from public databases was too high to be consistent with this variant causing disease. Therefore, this variant is classified as benign.

Illumina Laboratory Services, Illumina
Classification: Likely benign for Meckel syndrome, type 6. Last evaluated: 2017-04-27. Review status: criteria provided, single submitter. Criteria: ICSL Variant Classification Criteria 13 December 2019. Collection method: clinical testing. Allele origin: germline.
Comment: This variant was observed as part of a predisposition screen in an ostensibly healthy population. A literature search was performed for the gene, cDNA change, and amino acid change (where applicable). Publications were found based on this search. The evidence from the literature, in combination with allele frequency data from public databases where available, was sufficient to determine this variant is unlikely to cause disease. Therefore, this variant is classified as likely benign.

PreventionGenetics, part of Exact Sciences
Classification: Likely benign for CC2D2A-related condition. Last evaluated: 2022-11-04. Review status: no assertion criteria provided. Collection method: clinical testing. Allele origin: germline. Not counted in ClinVar's aggregate classification.
Comment: This variant is classified as likely benign based on ACMG/AMP sequence variant interpretation guidelines (Richards et al. 2015 PMID: 25741868, with internal and published modifications).

Literature cited by the submitters: PubMed 19466712 (cited by Illumina Laboratory Services, Illumina).

NM_001378615.1(CC2D2A):c.2882T>C (p.Ile961Thr)

Genes: CC2D2A (coiled-coil and C2 domain containing 2A; plus strand), FBXL5 (F-box and leucine rich repeat protein 5; minus strand). Cytogenetic location: 4p15.32.
Variant type: single nucleotide variant.
Coding change: c.2882T>C on transcript NM_001378615.1 (MANE Select); coding-DNA position 2882, T replaced by C.
Protein change: p.Ile961Thr; replaces isoleucine 961 with threonine.
Molecular consequence: missense variant.
Genome position (GRCh38, 1-based): chr4:15,559,217, T>C. VCF-style: chr4-15559217-T-C. GRCh37 (hg19) VCF-style: chr4-15560840-T-C.
Other names: c.2882T>C, p.Ile961Thr (NM_001080522.2); c.2735T>C, p.Ile912Thr (NM_001378617.1); short protein forms I912T, I961T.
Identifiers: ClinVar variation 900659 (VCV000900659.16), dbSNP rs76626268, ClinGen allele CA2864026.